The following is an entry in ClinVar:

ClinVar aggregate classification (germline): Benign. Review status: criteria provided, multiple submitters, no conflicts (2 of 4 stars). 5 submissions from 4 submitters: Benign (5). Last evaluated 2024-07-15.

Conditions:
Autosomal dominant nocturnal frontal lobe epilepsy 5. Also called: Epilepsy, nocturnal frontal lobe, 5; KCNT1-Related Epilepsy; CILIARY DYSKINESIA, PRIMARY, 28, WITHOUT SITUS INVERSUS; CILIARY DYSKINESIA, PRIMARY, 28, WITH SITUS INVERSUS. Identifiers: Orphanet 98784, MedGen C3554306, MONDO:0014002, OMIM 615005.
Developmental and epileptic encephalopathy, 14 (DEE14). Also called: Early infantile epileptic encephalopathy 14. Identifiers: Orphanet 293181, MedGen C3554195, MONDO:0013989, OMIM 614959.

Allele frequency attached by ClinVar (database versions not stated): 1000 Genomes Project 30x 0.14616; 1000 Genomes Project 0.14696; gnomAD 0.16794 and 0.16982; TOPMed 0.16847; ESP Exome Variant Server 0.17273; gnomAD exomes 0.17332 and 0.18531; ExAC 0.19953.
gnomAD v4.1: 292,082 of 1,590,592 alleles (18%); highest among the groups gnomAD compares: Middle Eastern, 23%; 27,886 homozygotes.

Submissions (5):

Unidad de Genómica Garrahan, Hospital de Pediatría Garrahan
Classification: Benign. Last evaluated: 2024-07-15. Review status: criteria provided, single submitter. Criteria: ACMG Guidelines, 2015. Collection method: clinical testing. Allele origin: germline. Affected: no. Observed: 37 variant alleles.
Comment: This variant is classified as Benign based on local population frequency. This variant was detected in 40% of patients studied in a panel designed for Epileptic and Developmental Encephalopathy and Progressive Myoclonus Epilepsy. Number of patients: 37. Only high quality variants are reported.

Genome-Nilou Lab
Classification: Benign for Developmental and epileptic encephalopathy, 14. Last evaluated: 2021-08-19. Review status: criteria provided, single submitter. Criteria: ACMG Guidelines, 2015. Collection method: clinical testing. Allele origin: germline. Affected: no.

Genome-Nilou Lab
Classification: Benign for Autosomal dominant nocturnal frontal lobe epilepsy 5. Last evaluated: 2021-08-19. Review status: criteria provided, single submitter. Criteria: ACMG Guidelines, 2015. Collection method: clinical testing. Allele origin: germline. Affected: no.

GeneDx
Classification: Benign. Last evaluated: 2018-06-14. Review status: criteria provided, single submitter. Criteria: GeneDx Variant Classification (06012015). Collection method: clinical testing. Allele origin: germline. Affected: yes.
Comment: This variant is considered likely benign or benign based on one or more of the following criteria: it is a conservative change, it occurs at a poorly conserved position in the protein, it is predicted to be benign by multiple in silico algorithms, and/or has population frequency not consistent with disease.

Breakthrough Genomics
Classification: Benign. Review status: criteria provided, single submitter. Criteria: ACMG Guidelines, 2015. Collection method: not provided. Allele origin: germline. Inheritance: Autosomal dominant inheritance. Affected: yes.

NM_020822.3(KCNT1):c.2008+21G>A

Gene: KCNT1 (potassium sodium-activated channel subfamily T member 1; plus strand). Cytogenetic location: 9q34.3.
Variant type: single nucleotide variant.
Coding change: c.2008+21G>A on transcript NM_020822.3 (MANE Select); 21 bases into the intron after coding-DNA position 2008, G replaced by A.
Molecular consequence: intron variant.
Genome position (GRCh38, 1-based): chr9:135,771,116, G>A. VCF-style: chr9-135771116-G-A. GRCh37 (hg19) VCF-style: chr9-138662962-G-A.
Other names: c.1873+21G>A (NM_001272003.2).
Identifiers: ClinVar variation 682424 (VCV000682424.6), dbSNP rs7869884, ClinGen allele CA5327154.